The following is an entry in ClinVar:

NM_000171.4(GLRA1):c.537dup (p.Cys180fs)

Gene: GLRA1 (glycine receptor alpha 1; minus strand). Cytogenetic location: 5q33.1.
Variant type: Duplication.
Coding change: c.537dup on transcript NM_000171.4 (MANE Select); coding-DNA position 537, one base duplicated (A; older notation c.537dupA).
Protein change: p.Cys180fs; shifts the reading frame from cysteine 180.
Molecular consequence: frameshift variant.
Genome position (GRCh38, 1-based): chr5:151,856,323, T duplicated on the plus strand (A on the coding strand, the reverse complement: GLRA1 is on the minus strand). VCF-style (leftmost placement, unchanged base first): chr5-151856322-A-AT. GRCh37 (hg19) VCF-style: chr5-151235883-A-AT.
Other names: c.537dup, p.Cys180fs (NM_001146040.2); c.288dup, p.Cys97fs (NM_001292000.2); short protein forms C97fs, C180fs.
Identifiers: ClinVar variation 2162119 (VCV002162119.4), dbSNP rs2479981350, ClinGen allele CA2580073914.

ClinVar aggregate classification (germline): Pathogenic (1 of 4 stars; one submission).

Conditions:
Hereditary hyperekplexia. Identifiers: Orphanet 3197, MedGen C4084968, MONDO:0021022.

Submission:

Labcorp Genetics (formerly Invitae), Labcorp
Classification: Pathogenic for Hereditary hyperekplexia. Last evaluated: 2022-08-23. Review status: criteria provided, single submitter. Criteria: Invitae Variant Classification Sherloc (09022015). Collection method: clinical testing. Allele origin: germline.
Comment: For these reasons, this variant has been classified as Pathogenic. This variant has not been reported in the literature in individuals affected with GLRA1-related conditions. This variant is not present in population databases (gnomAD no frequency). This sequence change creates a premature translational stop signal (p.Cys180Metfs*14) in the GLRA1 gene. It is expected to result in an absent or disrupted protein product. Loss-of-function variants in GLRA1 are known to be pathogenic (PMID: 20631190, 24108130).

Literature cited by the submitters: PubMed 20631190; PubMed 24108130.